The following is an entry in ClinVar:

NM_001330700.2(TOP2B):c.4538A>G (p.Gln1513Arg)

Gene: TOP2B (DNA topoisomerase II beta; minus strand). Cytogenetic location: 3p24.2.
Variant type: single nucleotide variant.
Coding change: c.4538A>G on transcript NM_001330700.2 (MANE Select); coding-DNA position 4538, A replaced by G.
Protein change: p.Gln1513Arg; replaces glutamine 1513 with arginine.
Molecular consequence: missense variant.
Genome position (GRCh38, 1-based): chr3:25,601,177, T>C on the plus strand (A>G on the coding strand, the complement: TOP2B is on the minus strand). VCF-style: chr3-25601177-T-C. GRCh37 (hg19) VCF-style: chr3-25642668-T-C.
Other names: c.4523A>G, p.Gln1508Arg (NM_001068.3); short protein forms Q1508R, Q1513R.
Identifiers: ClinVar variation 3460129 (VCV003460129.3).

ClinVar aggregate classification (germline): Uncertain significance. Review status: criteria provided, multiple submitters, no conflicts (2 of 4 stars). 2 submissions from 2 submitters: Uncertain significance (2). Last evaluated 2024-12-04.

Submissions (2):

Labcorp Genetics (formerly Invitae), Labcorp
Classification: Uncertain significance. Last evaluated: 2024-12-04. Review status: criteria provided, single submitter. Criteria: Invitae Variant Classification Sherloc (09022015). Collection method: clinical testing. Allele origin: germline.
Comment: This sequence change replaces glutamine, which is neutral and polar, with arginine, which is basic and polar, at codon 1508 of the TOP2B protein (p.Gln1508Arg). This variant is not present in population databases (gnomAD no frequency). This variant has not been reported in the literature in individuals affected with TOP2B-related conditions. An algorithm developed to predict the effect of missense changes on protein structure and function (PolyPhen-2) suggests that this variant is likely to be tolerated. In summary, the available evidence is currently insufficient to determine the role of this variant in disease. Therefore, it has been classified as a Variant of Uncertain Significance.

Ambry Genetics
Classification: Uncertain significance. Last evaluated: 2024-11-28. Review status: criteria provided, single submitter. Criteria: Ambry Variant Classification Scheme 2023. Collection method: clinical testing. Allele origin: germline.